The following is an entry in ClinVar:

ClinVar aggregate classification (germline): Benign (1 of 4 stars; one submission).

Conditions:
Intellectual developmental disorder, X-linked 30. Also called: MENTAL RETARDATION, X-LINKED 47; Intellectual disability, X-linked 30. Identifiers: Orphanet 777, MedGen C0796237, MONDO:0010361, OMIM 300558.

Allele frequency attached by ClinVar (database versions not stated): TOPMed 0.00005; gnomAD 0.00001; gnomAD exomes 0.00004 and 0.00023; ExAC 0.00025.
gnomAD v4.1: 42 of 1,187,596 alleles (0.0035%); highest among the groups gnomAD compares: Admixed American, 0.089%; no homozygotes.

Submission:

Illumina Laboratory Services, Illumina
Classification: Benign for Intellectual developmental disorder, X-linked 30. Last evaluated: 2018-01-13. Review status: criteria provided, single submitter. Criteria: ICSL Variant Classification Criteria 13 December 2019. Collection method: clinical testing. Allele origin: germline.
Comment: This variant was observed in the ICSL laboratory as part of a predisposition screen in an ostensibly healthy population. It had not been previously curated by ICSL or reported in the Human Gene Mutation Database (HGMD: prior to June 1st, 2018), and was therefore a candidate for classification through an automated scoring system. Utilizing variant allele frequency, disease prevalence and penetrance estimates, and inheritance mode, an automated score was calculated to assess if this variant is too frequent to cause the disease. Based on the score and internal cut-off values, a variant classified as benign is not then subjected to further curation. The score for this variant resulted in a classification of benign for this disease.

NM_002578.5(PAK3):c.-15T>C

Gene: PAK3 (p21 (RAC1) activated kinase 3; plus strand). Cytogenetic location: Xq23.
Variant type: single nucleotide variant.
Coding change: c.-15T>C on transcript NM_002578.5 (MANE Select); 15 bases upstream of the start codon, T replaced by C.
Molecular consequence: 5 prime UTR variant. On other transcripts: non-coding transcript variant (9).
Genome position (GRCh38, 1-based): chrX:111,123,089, T>C. VCF-style: chrX-111123089-T-C. GRCh37 (hg19) VCF-style: chrX-110366317-T-C.
Other names: c.-15T>C (NM_001128166.3, NM_001128167.3, NM_001128168.3 and 12 more transcripts).
Identifiers: ClinVar variation 367713 (VCV000367713.5), dbSNP rs758607736, ClinGen allele CA10492564.